The following is an entry in ClinVar:

NM_001206927.2(DNAH8):c.10042C>A (p.Gln3348Lys)

Genes: DNAH8 (dynein axonemal heavy chain 8; plus strand), DNAH8-AS1 (DNAH8 antisense RNA 1; minus strand). Cytogenetic location: 6p21.2.
Variant type: single nucleotide variant.
Coding change: c.10042C>A on transcript NM_001206927.2 (MANE Select); coding-DNA position 10042, C replaced by A.
Protein change: p.Gln3348Lys; replaces glutamine 3348 with lysine.
Molecular consequence: missense variant.
Genome position (GRCh38, 1-based): chr6:38,915,279, C>A. VCF-style: chr6-38915279-C-A. GRCh37 (hg19) VCF-style: chr6-38883055-C-A.
Other names: c.9391C>A, p.Gln3131Lys (NM_001371.4); short protein forms Q3131K, Q3348K.
Identifiers: ClinVar variation 842815 (VCV000842815.10), dbSNP rs1781220169, ClinGen allele CA364005948.

ClinVar aggregate classification (germline): Uncertain significance (1 of 4 stars; one submission).

Conditions:
Primary ciliary dyskinesia. Also called: Ciliary dyskinesia. Identifiers: Orphanet 244, MedGen C0008780, MONDO:0016575, HP:0012265.

Allele frequency attached by ClinVar (database versions not stated): TOPMed below 0.00001.
gnomAD v4.1: 1 of 1,610,428 alleles (0.000062%); highest among the groups gnomAD compares: Admixed American, 0.0017%; no homozygotes.

Submission:

Labcorp Genetics (formerly Invitae), Labcorp
Classification: Uncertain significance for Primary ciliary dyskinesia. Last evaluated: 2019-03-03. Review status: criteria provided, single submitter. Criteria: Invitae Variant Classification Sherloc (09022015). Collection method: clinical testing. Allele origin: germline.
Comment: In summary, the available evidence is currently insufficient to determine the role of this variant in disease. Therefore, it has been classified as a Variant of Uncertain Significance. Algorithms developed to predict the effect of missense changes on protein structure and function are either unavailable or do not agree on the potential impact of this missense change (SIFT: "Deleterious"; PolyPhen-2: "Not Available"; Align-GVGD: "Class C15"). This variant has not been reported in the literature in individuals with DNAH8-related conditions. This variant is not present in population databases (ExAC no frequency). This sequence change replaces glutamine with lysine at codon 3348 of the DNAH8 protein (p.Gln3348Lys). The glutamine residue is highly conserved and there is a small physicochemical difference between glutamine and lysine.